The following is an entry in ClinVar:

NM_002691.4(POLD1):c.589A>G (p.Ser197Gly)

Gene: POLD1 (DNA polymerase delta 1, catalytic subunit; plus strand). Cytogenetic location: 19q13.33.
Variant type: single nucleotide variant.
Coding change: c.589A>G on transcript NM_002691.4 (MANE Select); coding-DNA position 589, A replaced by G.
Protein change: p.Ser197Gly; replaces serine 197 with glycine.
Molecular consequence: missense variant. On other transcripts: non-coding transcript variant (1).
Genome position (GRCh38, 1-based): chr19:50,402,124, A>G. VCF-style: chr19-50402124-A-G. GRCh37 (hg19) VCF-style: chr19-50905381-A-G.
Other names: c.589A>G, p.Ser197Gly (NM_001256849.1, NM_001308632.1); short protein forms S197G.
Identifiers: ClinVar variation 846134 (VCV000846134.9), dbSNP rs1040524947, ClinGen allele CA406973512.

ClinVar aggregate classification (germline): Uncertain significance (1 of 4 stars; one submission).

Conditions:
POLD1-related polyposis and colorectal cancer syndrome (CRCS10). Also called: Colorectal cancer 10; COLORECTAL CANCER, SUSCEPTIBILITY TO, ON CHROMOSOME 19q; Colorectal cancer, susceptibility to, 10. Identifiers: Orphanet 220460, MedGen C2675481, MONDO:0012953, OMIM 612591.

Submission:

Labcorp Genetics (formerly Invitae), Labcorp
Classification: Uncertain significance for POLD1-related polyposis and colorectal cancer syndrome. Last evaluated: 2024-04-05. Review status: criteria provided, single submitter. Criteria: Invitae Variant Classification Sherloc (09022015). Collection method: clinical testing. Allele origin: germline.
Comment: This sequence change replaces serine, which is neutral and polar, with glycine, which is neutral and non-polar, at codon 197 of the POLD1 protein (p.Ser197Gly). This variant is not present in population databases (gnomAD no frequency). This variant has not been reported in the literature in individuals affected with POLD1-related conditions. ClinVar contains an entry for this variant (Variation ID: 846134). An algorithm developed to predict the effect of missense changes on protein structure and function (PolyPhen-2) suggests that this variant is likely to be tolerated. In summary, the available evidence is currently insufficient to determine the role of this variant in disease. Therefore, it has been classified as a Variant of Uncertain Significance.